The following is an entry in ClinVar:

NM_002303.6(LEPR):c.849+8T>C

Gene: LEPR (leptin receptor; plus strand). Cytogenetic location: 1p31.3.
Variant type: single nucleotide variant.
Coding change: c.849+8T>C on transcript NM_002303.6 (MANE Select); 8 bases into the intron after coding-DNA position 849, T replaced by C.
Molecular consequence: intron variant.
Genome position (GRCh38, 1-based): chr1:65,596,601, T>C. VCF-style: chr1-65596601-T-C. GRCh37 (hg19) VCF-style: chr1-66062284-T-C.
Other names: c.849+8T>C (NM_001003679.3, NM_001003680.3, NM_001198689.2 and 2 more transcripts).
Identifiers: ClinVar variation 4982203 (VCV004982203.1).

ClinVar aggregate classification (germline): Likely benign (1 of 4 stars; one submission).

Conditions:
LEPR-related disorder. Also called: LEPR-related condition; LEPR-related disorders.

gnomAD v4.1: 1 of 1,610,678 alleles (0.000062%); highest among the groups gnomAD compares: African/African-American, 0.0013%; no homozygotes.

Submission:

PreventionGenetics, part of Exact Sciences
Classification: Likely benign for LEPR-related condition. Last evaluated: 2024-11-25. Review status: criteria provided, single submitter. Criteria: ACMG Guidelines, 2015. Collection method: clinical testing. Allele origin: germline.
Comment: This variant is classified as likely benign based on ACMG/AMP sequence variant interpretation guidelines (Richards et al. 2015 PMID: 25741868, with internal and published modifications).